The following is an entry in ClinVar:

NM_000245.4(MET):c.38T>C (p.Val13Ala)

Gene: MET (MET proto-oncogene, receptor tyrosine kinase; plus strand). Cytogenetic location: 7q31.2.
Variant type: single nucleotide variant.
Coding change: c.38T>C on transcript NM_000245.4 (MANE Select); coding-DNA position 38, T replaced by C.
Protein change: p.Val13Ala; replaces valine 13 with alanine.
Molecular consequence: missense variant. On other transcripts: intron variant (1).
Genome position (GRCh38, 1-based): chr7:116,699,122, T>C. VCF-style: chr7-116699122-T-C. GRCh37 (hg19) VCF-style: chr7-116339176-T-C.
Other names: c.38T>C, p.Val13Ala (NM_001127500.3, NM_001324401.3); c.-91+26545T>C (NM_001324402.2); short protein forms V13A.
Identifiers: ClinVar variation 1736014 (VCV001736014.8), dbSNP rs748776466, ClinGen allele CA4447935.

ClinVar aggregate classification (germline): Uncertain significance. Review status: criteria provided, multiple submitters, no conflicts (2 of 4 stars). 3 submissions from 3 submitters: Uncertain significance (3). Last evaluated 2025-07-17.

Conditions:
Autosomal recessive nonsyndromic hearing loss 97. Also called: Deafness, autosomal recessive 97. Identifiers: Orphanet 90636, MedGen C4084709, MONDO:0014739, OMIM 616705.
Hereditary cancer-predisposing syndrome. Also called: Neoplastic Syndromes, Hereditary; Tumor predisposition; Hereditary Cancer Syndrome; Hereditary neoplastic syndrome. Identifiers: Orphanet 140162, MedGen C0027672, MeSH D009386, MONDO:0015356.
Renal cell carcinoma. Identifiers: Orphanet 217071, MedGen C0007134, MeSH D002292, MONDO:0005086, HP:0005584.

Allele frequency attached by ClinVar (database versions not stated): gnomAD exomes below 0.00001; TOPMed below 0.00001; ExAC 0.00001; gnomAD 0.00001.
gnomAD v4.1: 3 of 1,613,810 alleles (0.00019%); no homozygotes.

Submissions (3):

Ambry Genetics
Classification: Uncertain significance for Hereditary cancer-predisposing syndrome. Last evaluated: 2025-07-17. Review status: criteria provided, single submitter. Criteria: Ambry Variant Classification Scheme 2023. Collection method: clinical testing. Allele origin: germline.
Comment: The p.V13A variant (also known as c.38T>C), located in coding exon 1 of the MET gene, results from a T to C substitution at nucleotide position 38. The valine at codon 13 is replaced by alanine, an amino acid with similar properties. This amino acid position is not well conserved in available vertebrate species. In addition, this alteration is predicted to be tolerated by in silico analysis. Based on the available evidence, the clinical significance of this variant remains unclear.

Baylor Genetics
Classification: Uncertain significance for Autosomal recessive nonsyndromic hearing loss 97. Last evaluated: 2023-07-29. Review status: criteria provided, single submitter. Criteria: ACMG Guidelines, 2015. Collection method: clinical testing. Allele origin: unknown.

Labcorp Genetics (formerly Invitae), Labcorp
Classification: Uncertain significance for Renal cell carcinoma. Last evaluated: 2023-07-07. Review status: criteria provided, single submitter. Criteria: Invitae Variant Classification Sherloc (09022015). Collection method: clinical testing. Allele origin: germline.
Comment: In summary, the available evidence is currently insufficient to determine the role of this variant in disease. Therefore, it has been classified as a Variant of Uncertain Significance. Advanced modeling of protein sequence and biophysical properties (such as structural, functional, and spatial information, amino acid conservation, physicochemical variation, residue mobility, and thermodynamic stability) performed at Invitae indicates that this missense variant is not expected to disrupt MET protein function. ClinVar contains an entry for this variant (Variation ID: 1736014). This variant has not been reported in the literature in individuals affected with MET-related conditions. This variant is present in population databases (rs748776466, gnomAD 0.02%). This sequence change replaces valine, which is neutral and non-polar, with alanine, which is neutral and non-polar, at codon 13 of the MET protein (p.Val13Ala).